The following is an entry in ClinVar:

ClinVar aggregate classification (germline): Likely pathogenic (1 of 4 stars; one submission).

Conditions:
Hereditary spastic paraplegia 4. Also called: Spastic Paraplegia 4; Spastic paraplegia 4, autosomal dominant; Familial spastic paraplegia autosomal dominant 2. Identifiers: Orphanet 100985, MedGen C1866855, MONDO:0008438, OMIM 182601.

Submission:

Laboratory of Medical Genetics, National & Kapodistrian University of Athens
Classification: Likely pathogenic for Hereditary spastic paraplegia 4. Last evaluated: 2024-02-27. Review status: criteria provided, single submitter. Criteria: ACMG Guidelines, 2015. Collection method: clinical testing. Allele origin: germline. Affected: yes.
Comment: PM1, PM2, PM5, PP3 - Absent from gnomAD. In silico prediction tools estimated that the variant could be damaging for the protein function/stracture.

NM_000090.4(COL3A1):c.3572G>T (p.Gly1191Val)

Gene: COL3A1 (collagen type III alpha 1 chain; plus strand). Cytogenetic location: 2q32.2.
Variant type: single nucleotide variant.
Coding change: c.3572G>T on transcript NM_000090.4 (MANE Select); coding-DNA position 3572, G replaced by T.
Protein change: p.Gly1191Val; replaces glycine 1191 with valine.
Molecular consequence: missense variant.
Genome position (GRCh38, 1-based): chr2:189,008,970, G>T. VCF-style: chr2-189008970-G-T. GRCh37 (hg19) VCF-style: chr2-189873696-G-T.
Other names: short protein forms G1191V.
Identifiers: ClinVar variation 3256590 (VCV003256590.1).